The following is an entry in ClinVar:

NM_014516.4(CNOT3):c.1039G>A (p.Ala347Thr)

Gene: CNOT3 (CCR4-NOT transcription complex subunit 3; plus strand). Cytogenetic location: 19q13.42.
Variant type: single nucleotide variant.
Coding change: c.1039G>A on transcript NM_014516.4 (MANE Select); coding-DNA position 1039, G replaced by A.
Protein change: p.Ala347Thr; replaces alanine 347 with threonine.
Molecular consequence: missense variant.
Genome position (GRCh38, 1-based): chr19:54,148,292, G>A. VCF-style: chr19-54148292-G-A. GRCh37 (hg19) VCF-style: chr19-54652027-G-A.
Other names: c.1039G>A (NM_014516.3); short protein forms A347T.
Identifiers: ClinVar variation 2033593 (VCV002033593.5), dbSNP rs142721836, ClinGen allele CA309339579.
Genomic context (GRCh38, chr19:54,148,292, plus strand): 5'-CCCCCGCCTGCTGCCTCTGCCTTGAGCACCACTCCTGGCAACAATGGGGTCCCCGCCCCC[G>A]CAGCACCCCCAAGTGCCCTGGGCCCCAAGGCCAGTCCAGCTCCCAGCCACAACTCGGGCA-3'
Protein context (NP_055331.1, residues 337-357): TPGNNGVPAP[Ala347Thr]APPSALGPKA

ClinVar aggregate classification (germline): Conflicting classifications of pathogenicity. Review status: criteria provided, conflicting classifications (1 of 4 stars). 2 submissions from 2 submitters: Uncertain significance (1); Likely benign (1). Last evaluated 2024-12-03.

Conditions:
Inborn genetic diseases. Identifiers: MedGen C0950123, MeSH D030342.

Allele frequency attached by ClinVar (database versions not stated): gnomAD exomes 0.00001; ExAC 0.00004; ESP Exome Variant Server 0.00008; gnomAD 0.00011; TOPMed 0.00014.
gnomAD v4.1: 37 of 1,606,962 alleles (0.0023%); highest among the groups gnomAD compares: Admixed American, 0.035%; no homozygotes.

Submissions (2):

Ambry Genetics
Classification: Likely benign for Inborn genetic diseases. Last evaluated: 2024-12-03. Review status: criteria provided, single submitter. Criteria: Ambry Variant Classification Scheme 2023. Collection method: clinical testing. Allele origin: germline.

Labcorp Genetics (formerly Invitae), Labcorp
Classification: Uncertain significance. Last evaluated: 2021-12-19. Review status: criteria provided, single submitter. Criteria: Invitae Variant Classification Sherloc (09022015). Collection method: clinical testing. Allele origin: germline.
Comment: This sequence change replaces alanine, which is neutral and non-polar, with threonine, which is neutral and polar, at codon 347 of the CNOT3 protein (p.Ala347Thr). This variant is present in population databases (rs142721836, gnomAD 0.03%), and has an allele count higher than expected for a pathogenic variant. This variant has not been reported in the literature in individuals affected with CNOT3-related conditions. Algorithms developed to predict the effect of missense changes on protein structure and function output the following: SIFT: "Deleterious"; PolyPhen-2: "Benign"; Align-GVGD: "Class C0". The threonine amino acid residue is found in multiple mammalian species, which suggests that this missense change does not adversely affect protein function. In summary, the available evidence is currently insufficient to determine the role of this variant in disease. Therefore, it has been classified as a Variant of Uncertain Significance.